The following is an entry in ClinVar:

NM_000784.4(CYP27A1):c.1457T>C (p.Met486Thr)

Gene: CYP27A1 (cytochrome P450 family 27 subfamily A member 1; plus strand). Cytogenetic location: 2q35.
Variant type: single nucleotide variant.
Coding change: c.1457T>C on transcript NM_000784.4 (MANE Select); coding-DNA position 1457, T replaced by C.
Protein change: p.Met486Thr; replaces methionine 486 with threonine.
Molecular consequence: missense variant.
Genome position (GRCh38, 1-based): chr2:218,814,738, T>C. VCF-style: chr2-218814738-T-C. GRCh37 (hg19) VCF-style: chr2-219679461-T-C.
Other names: short protein forms M486T.
Identifiers: ClinVar variation 1351866 (VCV001351866.8), dbSNP rs2105981320, ClinGen allele CA350595498.

ClinVar aggregate classification (germline): Uncertain significance (1 of 4 stars; one submission).

Conditions:
Cholestanol storage disease (CTX). Also called: Cerebrotendinous Xanthomatosis; CTX: Cerebrotendinous xanthomatosis; CEREBRAL CHOLESTERINOSIS. Identifiers: Orphanet 909, MedGen C0238052, MONDO:0008948, OMIM 213700.

Submission:

Labcorp Genetics (formerly Invitae), Labcorp
Classification: Uncertain significance for Cholestanol storage disease. Last evaluated: 2021-07-18. Review status: criteria provided, single submitter. Criteria: Invitae Variant Classification Sherloc (09022015). Collection method: clinical testing. Allele origin: germline.
Comment: Advanced modeling of protein sequence and biophysical properties (such as structural, functional, and spatial information, amino acid conservation, physicochemical variation, residue mobility, and thermodynamic stability) performed at Invitae indicates that this missense variant is expected to disrupt CYP27A1 protein function. This sequence change replaces methionine with threonine at codon 486 of the CYP27A1 protein (p.Met486Thr). The methionine residue is highly conserved and there is a moderate physicochemical difference between methionine and threonine. This variant is not present in population databases (ExAC no frequency). This variant has not been reported in the literature in individuals with CYP27A1-related conditions. In summary, the available evidence is currently insufficient to determine the role of this variant in disease. Therefore, it has been classified as a Variant of Uncertain Significance.